The following is an entry in ClinVar:

ClinVar aggregate classification (germline): Uncertain significance (1 of 4 stars; one submission).

Allele frequency attached by ClinVar (database versions not stated): gnomAD 0.00001; TOPMed 0.00001.
gnomAD v4.1: 2 of 1,561,478 alleles (0.00013%); highest among the groups gnomAD compares: African/African-American, 0.0027%; no homozygotes.

Submission:

Labcorp Genetics (formerly Invitae), Labcorp
Classification: Uncertain significance. Last evaluated: 2021-01-19. Review status: criteria provided, single submitter. Criteria: Invitae Variant Classification Sherloc (09022015). Collection method: clinical testing. Allele origin: germline.
Comment: This sequence change replaces serine with tyrosine at codon 456 of the AP3B2 protein (p.Ser456Tyr). The serine residue is highly conserved and there is a large physicochemical difference between serine and tyrosine. In summary, the available evidence is currently insufficient to determine the role of this variant in disease. Therefore, it has been classified as a Variant of Uncertain Significance. Algorithms developed to predict the effect of missense changes on protein structure and function are either unavailable or do not agree on the potential impact of this missense change (SIFT: "Deleterious"; PolyPhen-2: "Probably Damaging"; Align-GVGD: "Class C15"). This variant has not been reported in the literature in individuals with AP3B2-related conditions. This variant is not present in population databases (ExAC no frequency).

NM_001278512.2(AP3B2):c.1367C>A (p.Ser456Tyr)

Genes: AP3B2 (adaptor related protein complex 3 subunit beta 2; minus strand), CPEB1-AS1 (CPEB1 antisense RNA 1; plus strand). Cytogenetic location: 15q25.2.
Variant type: single nucleotide variant.
Coding change: c.1367C>A on transcript NM_001278512.2 (MANE Select); coding-DNA position 1367, C replaced by A.
Protein change: p.Ser456Tyr; replaces serine 456 with tyrosine.
Molecular consequence: missense variant.
Genome position (GRCh38, 1-based): chr15:82,677,682, G>T on the plus strand (C>A on the coding strand, the complement: AP3B2 is on the minus strand). VCF-style: chr15-82677682-G-T. GRCh37 (hg19) VCF-style: chr15-83346434-G-T.
Other names: c.1271C>A, p.Ser424Tyr (NM_001278511.2); c.1367C>A, p.Ser456Tyr (NM_004644.5); short protein forms S424Y, S456Y.
Identifiers: ClinVar variation 1464402 (VCV001464402.8), dbSNP rs890550023, ClinGen allele CA273488196.